The following is an entry in ClinVar:

NM_016507.4(CDK12):c.944G>C (p.Arg315Thr)

Genes: CDK12 (cyclin dependent kinase 12; plus strand), LOC126862553 (CDK7 strongly-dependent group 2 enhancer GRCh37_chr17:37618166-37619365; plus strand). Cytogenetic location: 17q12.
Variant type: single nucleotide variant.
Coding change: c.944G>C on transcript NM_016507.4 (MANE Select); coding-DNA position 944, G replaced by C.
Protein change: p.Arg315Thr; replaces arginine 315 with threonine.
Molecular consequence: missense variant.
Genome position (GRCh38, 1-based): chr17:39,463,015, G>C. VCF-style: chr17-39463015-G-C. GRCh37 (hg19) VCF-style: chr17-37619268-G-C.
Other names: c.944G>C, p.Arg315Thr (NM_015083.4); short protein forms R315T.
Identifiers: ClinVar variation 4651367 (VCV004651367.1).
Genomic context (GRCh38, chr17:39,463,015, plus strand): 5'-ACAGTAGGCGACAGAGATCTGTCAGTCCCTATAGCAGGAGACGGTCGTCCAGCTACGAAA[G>C]AAGTGGCTCTTACAGCGGGCGATCGCCCAGTCCCTATGGTCGAAGGCGGTCCAGCAGCCC-3'
Protein context (NP_057591.2, residues 305-325): YSRRRSSSYE[Arg315Thr]SGSYSGRSPS

ClinVar aggregate classification (germline): Uncertain significance (1 of 4 stars; one submission).

Submission:

Ambry Genetics
Classification: Uncertain significance. Last evaluated: 2025-10-10. Review status: criteria provided, single submitter. Criteria: Ambry Variant Classification Scheme 2023. Collection method: clinical testing. Allele origin: germline.
Comment: The p.R315T variant (also known as c.944G>C), located in coding exon 1 of the CDK12 gene, results from a G to C substitution at nucleotide position 944. The arginine at codon 315 is replaced by threonine, an amino acid with similar properties. This amino acid position is conserved. In addition, this alteration is predicted to be tolerated by in silico analysis. Based on the available evidence, the clinical significance of this variant remains unclear.